The following is an entry in ClinVar:

NM_001113378.2(FANCI):c.2063G>A (p.Gly688Glu)

Gene: FANCI (FA complementation group I; plus strand). Cytogenetic location: 15q26.1.
Variant type: single nucleotide variant.
Coding change: c.2063G>A on transcript NM_001113378.2 (MANE Select); coding-DNA position 2063, G replaced by A.
Protein change: p.Gly688Glu; replaces glycine 688 with glutamic acid.
Molecular consequence: missense variant.
Genome position (GRCh38, 1-based): chr15:89,292,758, G>A. VCF-style: chr15-89292758-G-A. GRCh37 (hg19) VCF-style: chr15-89835989-G-A.
Other names: c.1784G>A, p.Gly595Glu (NM_001376910.1); c.2063G>A, p.Gly688Glu (NM_001376911.1, NM_018193.3); short protein forms G595E, G688E.
Identifiers: ClinVar variation 1439610 (VCV001439610.6), dbSNP rs778157971, ClinGen allele CA7723271.
Genomic context (GRCh38, chr15:89,292,758, plus strand): 5'-TGTGTTGTATTCAGCATTGTTTGGCCTGGTATAAGAATACAGTCATACCCTTACAGCAGG[G>A]AGAGGAGGAAGAGGAGGAGGAAGAGGCATTCTACGAAGACCTAGATGATATATTGGAGTC-3'
Protein context (NP_001106849.1, residues 678-698): YKNTVIPLQQ[Gly688Glu]EEEEEEEEAF

ClinVar aggregate classification (germline): Uncertain significance (1 of 4 stars; one submission).

Conditions:
Fanconi anemia (FA). Also called: Fanconi's anemia. Identifiers: Orphanet 84, MedGen C0015625, MeSH D005199, MONDO:0019391.

Allele frequency attached by ClinVar (database versions not stated): ExAC 0.00001; gnomAD exomes 0.00001.
gnomAD v4.1: 2 of 1,614,008 alleles (0.00012%); highest among the groups gnomAD compares: Admixed American, 0.0033%; no homozygotes.

Submission:

Labcorp Genetics (formerly Invitae), Labcorp
Classification: Uncertain significance for Fanconi anemia. Last evaluated: 2024-10-15. Review status: criteria provided, single submitter. Criteria: Invitae Variant Classification Sherloc (09022015). Collection method: clinical testing. Allele origin: germline.
Comment: This sequence change replaces glycine, which is neutral and non-polar, with glutamic acid, which is acidic and polar, at codon 688 of the FANCI protein (p.Gly688Glu). This variant is present in population databases (rs778157971, gnomAD 0.006%). This variant has not been reported in the literature in individuals affected with FANCI-related conditions. ClinVar contains an entry for this variant (Variation ID: 1439610). Invitae Evidence Modeling of protein sequence and biophysical properties (such as structural, functional, and spatial information, amino acid conservation, physicochemical variation, residue mobility, and thermodynamic stability) indicates that this missense variant is not expected to disrupt FANCI protein function with a negative predictive value of 80%. In summary, the available evidence is currently insufficient to determine the role of this variant in disease. Therefore, it has been classified as a Variant of Uncertain Significance.